The following is an entry in ClinVar:

ClinVar aggregate classification (germline): Likely benign (1 of 4 stars; one submission).

Conditions:
Blepharophimosis-impaired intellectual development syndrome. Identifiers: Orphanet 637013, MedGen C5443984, MONDO:0859139, OMIM 619293.

gnomAD v4.1: 2 of 1,614,154 alleles (0.00012%); highest among the groups gnomAD compares: South Asian, 0.0022%; no homozygotes.

Submission:

Centre for Medical Genetics,  Mumbai
Classification: Likely benign for Blepharophimosis-impaired intellectual development syndrome. Last evaluated: 2026-02-16. Review status: criteria provided, single submitter. Criteria: ACMG Guidelines, 2015. Collection method: provider interpretation. Allele origin: germline. Inheritance: Autosomal dominant inheritance. Affected: no. Observed: 1 homozygote.
Comment: The variant satisfies PM2 criteria; Extremely low frequency in gnomAD population databases. The variant satisfies PP2 criteria; Missense variant in a gene with low rate of benign missense mutations and for which missense mutation is a common mechanism of a disease. The variant satisfies BP4 criteria; For a missense or a splice region variant, computational prediction tools unanimously support a benign effect on the gene. However, the variant satisfies BS2 criteria; present in homozygous state in an individual that clinically does not have Blepharophimosis-impaired intellectual development syndrome.

Literature cited by the submitters: PubMed 32694869.

NM_003070.5(SMARCA2):c.4657A>C (p.Lys1553Gln)

Gene: SMARCA2 (SWI/SNF related BAF chromatin remodeling complex subunit ATPase 2; plus strand). Cytogenetic location: 9p24.3.
Variant type: single nucleotide variant.
Coding change: c.4657A>C on transcript NM_003070.5 (MANE Select); coding-DNA position 4657, A replaced by C.
Protein change: p.Lys1553Gln; replaces lysine 1553 with glutamine.
Molecular consequence: missense variant.
Genome position (GRCh38, 1-based): chr9:2,191,328, A>C. VCF-style: chr9-2191328-A-C. GRCh37 (hg19) VCF-style: chr9-2191328-A-C.
Other names: c.4657A>C, p.Lys1553Gln (NM_001289396.2); c.4429A>C, p.Lys1477Gln (NM_001289397.2); c.631A>C, p.Lys211Gln (NM_001289398.2); c.715A>C, p.Lys239Gln (NM_001289399.2); c.721A>C, p.Lys241Gln (NM_001289400.2); c.4603A>C, p.Lys1535Gln (NM_139045.4); short protein forms K1553Q, K1477Q, K1535Q, K241Q, K211Q, K239Q.
Identifiers: ClinVar variation 4795843 (VCV004795843.1).
Genomic context (GRCh38, chr9:2,191,328, plus strand): 5'-AAATCAGTCAAGGTGAAAATTAAGCTCAATAAAAAAGATGACAAAGGCCGGGACAAAGGG[A>C]AAGGCAAGAAAAGGCCAAATCGAGGAAAAGCCAAACCTGTAGTGAGCGATTTTGACAGCG-3'
Protein context (NP_003061.3, residues 1543-1563): KKDDKGRDKG[Lys1553Gln]GKKRPNRGKA